The following is an entry in ClinVar:

NM_006612.6(KIF1C):c.2919C>T (p.His973=)

Gene: KIF1C (kinesin family member 1C; plus strand). Cytogenetic location: 17p13.2.
Variant type: single nucleotide variant.
Coding change: c.2919C>T on transcript NM_006612.6 (MANE Select); coding-DNA position 2919, C replaced by T.
Protein change: p.His973=; no amino-acid change (histidine 973 retained).
Molecular consequence: synonymous variant.
Genome position (GRCh38, 1-based): chr17:5,023,758, C>T. VCF-style: chr17-5023758-C-T. GRCh37 (hg19) VCF-style: chr17-4927053-C-T.
Identifiers: ClinVar variation 1947103 (VCV001947103.19), dbSNP rs767762952, ClinGen allele CA8319433.

ClinVar aggregate classification (germline): Likely benign. Review status: criteria provided, multiple submitters, no conflicts (2 of 4 stars). 2 submissions from 2 submitters: Likely benign (2). Last evaluated 2026-03-01.

Conditions:
Spastic ataxia 2. Also called: Ataxia, spastic, 2, autosomal recessive. Identifiers: Orphanet 397946, MedGen C1969796, MONDO:0012651, OMIM 611302.

gnomAD v4.1: 82 of 1,522,914 alleles (0.0054%); highest among the groups gnomAD compares: Non-Finnish European, 0.0068%; no homozygotes.

Submissions (2):

CeGaT Center for Human Genetics Tuebingen
Classification: Likely benign. Last evaluated: 2026-03-01. Review status: criteria provided, single submitter. Criteria: CeGaT Center For Human Genetics Tuebingen Variant Classification Criteria Version 2. Collection method: clinical testing. Allele origin: germline. Affected: yes. Observed: 2 variant alleles.
Comment: KIF1C: BP4, BP7

Labcorp Genetics (formerly Invitae), Labcorp
Classification: Likely benign for Spastic ataxia 2. Last evaluated: 2025-10-13. Review status: criteria provided, single submitter. Criteria: Invitae Variant Classification Sherloc (09022015). Collection method: clinical testing. Allele origin: germline.